The following is an entry in ClinVar:

ClinVar aggregate classification (germline): Pathogenic (1 of 4 stars; one submission).

Submission:

GeneDx
Classification: Pathogenic. Last evaluated: 2021-11-01. Review status: criteria provided, single submitter. Criteria: GeneDx Variant Classification Process June 2021. Collection method: clinical testing. Allele origin: germline. Affected: yes.
Comment: Canonical splice site variant predicted to result in a null allele in a gene for which loss-of-function is a known mechanism of disease; Not observed in large population cohorts (Lek et al., 2016); Has not been previously published as pathogenic or benign to our knowledge

NM_024757.5(EHMT1):c.642+1G>C

Gene: EHMT1 (euchromatic histone lysine methyltransferase 1; plus strand). Cytogenetic location: 9q34.3.
Variant type: single nucleotide variant.
Coding change: c.642+1G>C on transcript NM_024757.5 (MANE Select); the canonical splice donor site of the intron after coding-DNA position 642, G replaced by C.
Molecular consequence: splice donor variant.
Genome position (GRCh38, 1-based): chr9:137,717,183, G>C. VCF-style: chr9-137717183-G-C. GRCh37 (hg19) VCF-style: chr9-140611635-G-C.
Other names: c.642+1G>C (NM_001354263.2, NM_001145527.2, NM_001354611.2); c.549+1G>C (NM_001354259.2, NM_001354612.2).
Identifiers: ClinVar variation 1314969 (VCV001314969.2), dbSNP rs2135513350, ClinGen allele CA375766593.